The following is an entry in ClinVar:

ClinVar aggregate classification (germline): Uncertain significance (1 of 4 stars; one submission).

Conditions:
Intellectual developmental disorder, X-linked 1. Also called: MENTAL RETARDATION, X-LINKED 18; MENTAL RETARDATION, X-LINKED 78; Atkin Flaitz Patil Smith syndrome; Intellectual disability, X-linked 1. Identifiers: Orphanet 777, MedGen C2931498, MONDO:0010656, OMIM 309530.

Submission:

Labcorp Genetics (formerly Invitae), Labcorp
Classification: Uncertain significance for Intellectual developmental disorder, X-linked 1. Last evaluated: 2023-12-09. Review status: criteria provided, single submitter. Criteria: Invitae Variant Classification Sherloc (09022015). Collection method: clinical testing. Allele origin: germline.
Comment: This sequence change replaces threonine, which is neutral and polar, with proline, which is neutral and non-polar, at codon 535 of the IQSEC2 protein (p.Thr535Pro). This variant is not present in population databases (gnomAD no frequency). This variant has not been reported in the literature in individuals affected with IQSEC2-related conditions. Advanced modeling of protein sequence and biophysical properties (such as structural, functional, and spatial information, amino acid conservation, physicochemical variation, residue mobility, and thermodynamic stability) performed at Invitae indicates that this missense variant is not expected to disrupt IQSEC2 protein function with a negative predictive value of 95%. In summary, the available evidence is currently insufficient to determine the role of this variant in disease. Therefore, it has been classified as a Variant of Uncertain Significance.

NM_001111125.3(IQSEC2):c.1603A>C (p.Thr535Pro)

Gene: IQSEC2 (IQ motif and Sec7 domain ArfGEF 2; minus strand). Cytogenetic location: Xp11.22.
Variant type: single nucleotide variant.
Coding change: c.1603A>C on transcript NM_001111125.3 (MANE Select); coding-DNA position 1603, A replaced by C.
Protein change: p.Thr535Pro; replaces threonine 535 with proline.
Molecular consequence: missense variant.
Genome position (GRCh38, 1-based): chrX:53,250,973, T>G on the plus strand (A>C on the coding strand, the complement: IQSEC2 is on the minus strand). VCF-style: chrX-53250973-T-G. GRCh37 (hg19) VCF-style: chrX-53280155-T-G.
Other names: c.1603A>C, p.Thr535Pro (NM_001410736.1); c.988A>C, p.Thr330Pro (NM_015075.2); short protein forms T535P, T330P.
Identifiers: ClinVar variation 2716123 (VCV002716123.3), dbSNP rs2519808480, ClinGen allele CA413165142.